The following is an entry in ClinVar:

ClinVar aggregate classification (germline): Uncertain significance. Review status: criteria provided, multiple submitters, no conflicts (2 of 4 stars). 2 submissions from 2 submitters: Uncertain significance (2). Last evaluated 2024-01-24.

Conditions:
Cornelia de Lange syndrome 1 (CDLS1). Also called: Brachmann de Lange syndrome; NIPBL-Related Cornelia de Lange Syndrome; TYPUS DEGENERATIVUS AMSTELODAMENSIS. Identifiers: Orphanet 199, MedGen C4551851, MONDO:0007387, OMIM 122470.

Allele frequency attached by ClinVar (database versions not stated): gnomAD 0.00001; TOPMed 0.00001.
gnomAD v4.1: 18 of 1,613,772 alleles (0.0011%); highest among the groups gnomAD compares: Middle Eastern, 0.016%; no homozygotes.

Submissions (2):

Labcorp Genetics (formerly Invitae), Labcorp
Classification: Uncertain significance for Cornelia de Lange syndrome 1. Last evaluated: 2024-01-24. Review status: criteria provided, single submitter. Criteria: Invitae Variant Classification Sherloc (09022015). Collection method: clinical testing. Allele origin: germline.
Comment: This sequence change replaces arginine, which is basic and polar, with glutamine, which is neutral and polar, at codon 834 of the NIPBL protein (p.Arg834Gln). This variant is present in population databases (rs757394370, gnomAD 0.003%). This variant has not been reported in the literature in individuals affected with NIPBL-related conditions. ClinVar contains an entry for this variant (Variation ID: 353375). Advanced modeling of protein sequence and biophysical properties (such as structural, functional, and spatial information, amino acid conservation, physicochemical variation, residue mobility, and thermodynamic stability) performed at Invitae indicates that this missense variant is not expected to disrupt NIPBL protein function with a negative predictive value of 95%. In summary, the available evidence is currently insufficient to determine the role of this variant in disease. Therefore, it has been classified as a Variant of Uncertain Significance.

Illumina Laboratory Services, Illumina
Classification: Uncertain significance for Cornelia de Lange syndrome 1. Last evaluated: 2018-01-13. Review status: criteria provided, single submitter. Criteria: ICSL Variant Classification Criteria 13 December 2019. Collection method: clinical testing. Allele origin: germline.

NM_133433.4(NIPBL):c.2501G>A (p.Arg834Gln)

Gene: NIPBL (NIPBL cohesin loading factor; plus strand). Cytogenetic location: 5p13.2.
Variant type: single nucleotide variant.
Coding change: c.2501G>A on transcript NM_133433.4 (MANE Select); coding-DNA position 2501, G replaced by A.
Protein change: p.Arg834Gln; replaces arginine 834 with glutamine.
Molecular consequence: missense variant.
Genome position (GRCh38, 1-based): chr5:36,985,681, G>A. VCF-style: chr5-36985681-G-A. GRCh37 (hg19) VCF-style: chr5-36985783-G-A.
Other names: c.2501G>A, p.Arg834Gln (NM_015384.5); short protein forms R834Q.
Identifiers: ClinVar variation 353375 (VCV000353375.8), dbSNP rs757394370, ClinGen allele CA3236182.